The following is an entry in ClinVar:

NM_000138.5(FBN1):c.1914A>C (p.Glu638Asp)

Gene: FBN1 (fibrillin 1; minus strand). Cytogenetic location: 15q21.1.
Variant type: single nucleotide variant.
Coding change: c.1914A>C on transcript NM_000138.5 (MANE Select); coding-DNA position 1914, A replaced by C.
Protein change: p.Glu638Asp; replaces glutamic acid 638 with aspartic acid.
Molecular consequence: missense variant.
Genome position (GRCh38, 1-based): chr15:48,505,071, T>G on the plus strand (A>C on the coding strand, the complement: FBN1 is on the minus strand). VCF-style: chr15-48505071-T-G. GRCh37 (hg19) VCF-style: chr15-48797268-T-G.
Other names: p.E638D:GAA>GAC; short protein forms E638D.
Identifiers: ClinVar variation 199984 (VCV000199984.10), dbSNP rs794728180, ClinGen allele CA012675.

ClinVar aggregate classification (germline): Uncertain significance. Review status: criteria provided, multiple submitters, no conflicts (2 of 4 stars). 5 submissions from 5 submitters: Uncertain significance (5). Last evaluated 2026-04-02.

Conditions:
Marfan syndrome (MFS). Also called: Marfan syndrome, classic; FBN1-Related Marfan Syndrome; Marfan syndrome type 1; Marfan's syndrome; MARFAN SYNDROME, TYPE I. Identifiers: Orphanet 284963, Orphanet 558, MedGen C0024796, MONDO:0007947, OMIM 154700.
Familial thoracic aortic aneurysm and aortic dissection (TAAD). Also called: Thoracic aortic aneurysms and dissections. Identifiers: Orphanet 91387, MedGen C4707243, MONDO:0019625.

Allele frequency attached by ClinVar (database versions not stated): gnomAD 0.00001; TOPMed below 0.00001.
gnomAD v4.1: 1 of 1,614,068 alleles (0.000062%); highest among the groups gnomAD compares: African/African-American, 0.0013%; no homozygotes.

Submissions (5):

Ambry Genetics
Classification: Uncertain significance for Familial thoracic aortic aneurysm and aortic dissection. Last evaluated: 2026-04-02. Review status: criteria provided, single submitter. Criteria: Ambry Variant Classification Scheme 2023. Collection method: clinical testing. Allele origin: germline.
Comment: The p.E638D variant (also known as c.1914A>C), located in coding exon 15 of the FBN1 gene, results from an A to C substitution at nucleotide position 1914. The glutamic acid at codon 638 is replaced by aspartic acid, an amino acid with highly similar properties. This amino acid position is conserved. In addition, the in silico prediction for this alteration is inconclusive. Based on the available evidence, the clinical significance of this variant remains unclear.

Labcorp Genetics (formerly Invitae), Labcorp
Classification: Uncertain significance for Marfan syndrome; Familial thoracic aortic aneurysm and aortic dissection. Last evaluated: 2025-12-08. Review status: criteria provided, single submitter. Criteria: Invitae Variant Classification Sherloc (09022015). Collection method: clinical testing. Allele origin: germline.
Comment: This sequence change replaces glutamic acid, which is acidic and polar, with aspartic acid, which is acidic and polar, at codon 638 of the FBN1 protein (p.Glu638Asp). This variant is not present in population databases (gnomAD no frequency). This missense change has been observed in individual(s) with thoracic aortic aneurysm (internal data). ClinVar contains an entry for this variant (Variation ID: 199984). Invitae Evidence Modeling of protein sequence and biophysical properties (such as structural, functional, and spatial information, amino acid conservation, physicochemical variation, residue mobility, and thermodynamic stability) indicates that this missense variant is not expected to disrupt FBN1 protein function with a negative predictive value of 95%. In summary, the available evidence is currently insufficient to determine the role of this variant in disease. Therefore, it has been classified as a Variant of Uncertain Significance.

Women's Health and Genetics/Laboratory Corporation of America, LabCorp
Classification: Uncertain significance. Last evaluated: 2025-06-30. Review status: criteria provided, single submitter. Criteria: LabCorp Variant Classification Summary - May 2015. Collection method: clinical testing. Allele origin: germline.
Comment: Variant summary: FBN1 c.1914A>C (p.Glu638Asp) results in a conservative amino acid change in the encoded protein sequence. Algorithms developed to predict the effect of missense changes on protein structure and function are either unavailable or do not agree on the potential impact of this missense change. The variant was absent in 251452 control chromosomes. The available data on variant occurrences in the general population are insufficient to allow any conclusion about variant significance. c.1914A>C has been observed in individual(s) affected with thoracic aortic aneurysm (internal data). These data do not allow any conclusion about variant significance. To our knowledge, no experimental evidence demonstrating an impact on protein function has been reported. ClinVar contains an entry for this variant (Variation ID: 199984). Based on the evidence outlined above, the variant was classified as uncertain significance.

All of Us Research Program, National Institutes of Health
Classification: Uncertain significance for Marfan syndrome. Last evaluated: 2023-06-26. Review status: criteria provided, single submitter. Criteria: ACMG Guidelines, 2015. Collection method: clinical testing. Allele origin: germline. Inheritance: Autosomal dominant inheritance. Observed: 2 variant alleles, 2 heterozygotes.
Comment: This missense variant replaces glutamic acid with aspartic acid at codon 638 of the FBN1 protein. Computational prediction is inconclusive regarding the impact of this variant on protein structure and function (internally defined REVEL score threshold 0.5 < inconclusive < 0.7, PMID: 27666373). To our knowledge, functional studies have not been reported for this variant. This variant has been described in an individual with mild aortic dilatation (ClinVar SCV002111446.2). This variant has not been identified in the general population by the Genome Aggregation Database (gnomAD). The available evidence is insufficient to determine the role of this variant in disease conclusively. Therefore, this variant is classified as a Variant of Uncertain Significance.

This study involves interpretation of variants in research participants for the purpose of population health screening. Participant phenotype was not available at the time of variant classification. Additional details can be found in publication PMID: 35346344, PMCID: PMC8962531

GeneDx
Classification: Uncertain significance. Last evaluated: 2015-10-20. Review status: criteria provided, single submitter. Criteria: GeneDx Variant Classification (06012015). Collection method: clinical testing. Allele origin: germline. Affected: yes.
Comment: The E638D variant in the FBN1 gene has not been published as a pathogenic variant, nor has it been reported as a benign variant to our knowledge. The E638D variant was not observed in approximately 6,500 individuals of European and African American ancestry in the NHLBI Exome Sequencing Project, indicating it is not a common benign variant in these populations. This substitution occurs at a position that is conserved across species. Furthermore, missense variants in nearby residues (R636I, C637R, C637F, C637Y, C637W, C639Y, L643P) have been reported in the Human Gene Mutation Database in association with Marfan syndrome (Stenson et al., 2014), supporting the functional importance of this region of the protein. However, although the E638D variant is within a calcium-binding EGF-like domain, it does not affect a Cysteine residue. Cysteine substitutions in the calcium-binding EGF-like domains represent the majority of pathogenic missense changes associated with Marfan syndrome (Collod-Beroud et al., 2003). Additionally, the E638D variant is a conservative amino acid substitution, which is not likely to impact secondary protein structure as these residues share similar properties. In silico analysis is inconsistent in its predictions as to whether or not the variant is damaging to the protein structure/function. However, based on the currently available information, it is unclear whether this variant is a pathogenic variant or a rare benign variant